The following is an entry in ClinVar:

NM_134444.5(NLRP4):c.457_466del (p.Ile153fs)

Gene: NLRP4 (NLR family pyrin domain containing 4; plus strand). Cytogenetic location: 19q13.43.
Variant type: Deletion.
Coding change: c.457_466del on transcript NM_134444.5 (MANE Select); coding-DNA positions 457 to 466, 10 bases deleted (ATTCAAGGAC; older notation c.457_466delATTCAAGGAC).
Protein change: p.Ile153fs; shifts the reading frame from isoleucine 153.
Molecular consequence: frameshift variant.
Genome position (GRCh38, 1-based): chr19:55,857,850-55,857,859, ATTCAAGGAC deleted; deleting any 10 consecutive bases within chr19:55,857,849-55,857,859 gives the same sequence; the c. name uses the placement nearest the transcript's 3' end. VCF-style (leftmost placement, unchanged base first): chr19-55857848-TCATTCAAGGA-T. GRCh37 (hg19) VCF-style: chr19-56369214-TCATTCAAGGA-T.
Other names: short protein forms I153fs.
Identifiers: ClinVar variation 103227 (VCV000103227.2), dbSNP rs199476224, ClinGen allele CA230283.
Genomic context (GRCh38, chr19:55,857,848, plus strand): 5'-GTGACCATTTGGACCGCCTTTTTGCTCCCAAGGAAGCTGGGAAACAGCCACGTACAGTGA[TCATTCAAGGA>T]CCACAAGGAATTGGAAAAACGACACTCCTGATGAAGCTGATGATGGCCTGGTCGGACAAC-3'

ClinVar aggregate classification (germline): not provided (0 of 4 stars; one submission).

Submission:

Human Evolutionary Genetics, Institut Pasteur
No classification provided. Review status: no classification provided. Collection method: not provided. Allele origin: germline.
ClinVar note: Converted during submission from untested to not provided.